The following is an entry in ClinVar:

NM_015295.3(SMCHD1):c.3223G>A (p.Asp1075Asn)

Gene: SMCHD1 (structural maintenance of chromosomes flexible hinge domain containing 1; plus strand). Cytogenetic location: 18p11.32.
Variant type: single nucleotide variant.
Coding change: c.3223G>A on transcript NM_015295.3 (MANE Select); coding-DNA position 3223, G replaced by A.
Protein change: p.Asp1075Asn; replaces aspartic acid 1075 with asparagine.
Molecular consequence: missense variant.
Genome position (GRCh38, 1-based): chr18:2,732,439, G>A. VCF-style: chr18-2732439-G-A. GRCh37 (hg19) VCF-style: chr18-2732437-G-A.
Other names: short protein forms D1075N.
Identifiers: ClinVar variation 2738507 (VCV002738507.3), dbSNP rs2510091079, ClinGen allele CA401685917.

ClinVar aggregate classification (germline): Uncertain significance (1 of 4 stars; one submission).

Conditions:
Facioscapulohumeral muscular dystrophy 2 (FSHD2). Also called: FACIOSCAPULOHUMERAL MUSCULAR DYSTROPHY 2, DIGENIC; FSHD2, DIGENIC; MUSCULAR DYSTROPHY, FACIOSCAPULOHUMERAL, TYPE 1B. Identifiers: Orphanet 269, MedGen C1834671, MONDO:0008031, OMIM 158901.

Submission:

Labcorp Genetics (formerly Invitae), Labcorp
Classification: Uncertain significance for Facioscapulohumeral muscular dystrophy 2. Last evaluated: 2023-05-27. Review status: criteria provided, single submitter. Criteria: Invitae Variant Classification Sherloc (09022015). Collection method: clinical testing. Allele origin: germline.
Comment: In summary, the available evidence is currently insufficient to determine the role of this variant in disease. Therefore, it has been classified as a Variant of Uncertain Significance. Advanced modeling of protein sequence and biophysical properties (such as structural, functional, and spatial information, amino acid conservation, physicochemical variation, residue mobility, and thermodynamic stability) performed at Invitae indicates that this missense variant is not expected to disrupt SMCHD1 protein function. This variant has not been reported in the literature in individuals affected with SMCHD1-related conditions. This variant is not present in population databases (gnomAD no frequency). This sequence change replaces aspartic acid, which is acidic and polar, with asparagine, which is neutral and polar, at codon 1075 of the SMCHD1 protein (p.Asp1075Asn).